The following is an entry in ClinVar:

NM_005633.4(SOS1):c.1672A>G (p.Met558Val)

Gene: SOS1 (SOS Ras/Rac guanine nucleotide exchange factor 1; minus strand). Cytogenetic location: 2p22.1.
Variant type: single nucleotide variant.
Coding change: c.1672A>G on transcript NM_005633.4 (MANE Select); coding-DNA position 1672, A replaced by G.
Protein change: p.Met558Val; replaces methionine 558 with valine.
Molecular consequence: missense variant.
Genome position (GRCh38, 1-based): chr2:39,022,756, T>C on the plus strand (A>G on the coding strand, the complement: SOS1 is on the minus strand). VCF-style: chr2-39022756-T-C. GRCh37 (hg19) VCF-style: chr2-39249897-T-C.
Other names: c.1651A>G, p.Met551Val (NM_001382394.1); c.1672A>G, p.Met558Val (NM_001382395.1); short protein forms M551V, M558V.
Identifiers: ClinVar variation 1026516 (VCV001026516.12), dbSNP rs371295853, ClinGen allele CA1624567.

ClinVar aggregate classification (germline): Conflicting classifications of pathogenicity. Review status: criteria provided, conflicting classifications (1 of 4 stars). 5 submissions from 4 submitters: Uncertain significance (4); Likely benign (1). Last evaluated 2025-12-17.

Conditions:
Cardiovascular phenotype. Identifiers: MedGen CN230736.
RASopathy. Also called: Noonan spectrum disorder; rasopathies. Identifiers: Orphanet 536391, MedGen C5555857, MONDO:0021060.
Fibromatosis, gingival, 1 (GINGF1). Identifiers: Orphanet 2024, MedGen C4551558, MONDO:0007609, OMIM 135300.
Noonan syndrome 4 (NS4). Also called: SOS1-Related Noonan Syndrome; NOONAN SYNDROME WITH PIGMENTED VILLONODULAR SYNOVITIS. Identifiers: Orphanet 648, MedGen C1853120, MONDO:0012547, OMIM 610733.

Allele frequency attached by ClinVar (database versions not stated): gnomAD exomes 0.00001 and 0.00002; ExAC 0.00002; gnomAD 0.00003; TOPMed 0.00003; ESP Exome Variant Server 0.00008.
gnomAD v4.1: 7 of 1,613,636 alleles (0.00043%); highest among the groups gnomAD compares: African/African-American, 0.004%; no homozygotes.

Submissions (5):

Labcorp Genetics (formerly Invitae), Labcorp
Classification: Likely benign for RASopathy. Last evaluated: 2025-12-17. Review status: criteria provided, single submitter. Criteria: Invitae Variant Classification Sherloc (09022015). Collection method: clinical testing. Allele origin: germline.

Fulgent Genetics
Classification: Uncertain significance for Fibromatosis, gingival, 1; Noonan syndrome 4. Last evaluated: 2021-07-21. Review status: criteria provided, single submitter. Criteria: ACMG Guidelines, 2015. Collection method: clinical testing. Allele origin: unknown.

Ambry Genetics
Classification: Uncertain significance for Cardiovascular phenotype. Last evaluated: 2019-08-10. Review status: criteria provided, single submitter. Criteria: Ambry Variant Classification Scheme 2023. Collection method: clinical testing. Allele origin: germline.
Comment: The p.M558V variant (also known as c.1672A>G), located in coding exon 10 of the SOS1 gene, results from an A to G substitution at nucleotide position 1672. The methionine at codon 558 is replaced by valine, an amino acid with highly similar properties. This amino acid position is not well conserved in available vertebrate species, and valine is the reference amino acid in other vertebrate species. In addition, this alteration is predicted to be tolerated by in silico analysis. Since supporting evidence is limited at this time, the clinical significance of this alteration remains unclear.

Genome-Nilou Lab
Classification: Uncertain significance for Noonan syndrome 4. Review status: criteria provided, single submitter. Criteria: ACMG Guidelines, 2015. Collection method: clinical testing. Allele origin: germline.

Genome-Nilou Lab
Classification: Uncertain significance for Fibromatosis, gingival, 1. Review status: criteria provided, single submitter. Criteria: ACMG Guidelines, 2015. Collection method: clinical testing. Allele origin: germline.